The following is an entry in ClinVar:

ClinVar aggregate classification (germline): Conflicting classifications of pathogenicity. Review status: criteria provided, conflicting classifications (1 of 4 stars). 2 submissions from 1 submitter: Pathogenic (1); Uncertain significance (1). Last evaluated 2022-08-16.

Conditions:
Koolen-de Vries syndrome (KDVS). Identifiers: Orphanet 96169, MedGen C1864871, MONDO:0012496, OMIM 610443.
Frontotemporal dementia (FTD1). Also called: Frontotemporal lobe dementia (FLDEM); MULTIPLE SYSTEM TAUOPATHY WITH PRESENILE DEMENTIA; FRONTOTEMPORAL DEMENTIA WITH PARKINSONISM; FRONTOTEMPORAL LOBE DEMENTIA; Frontotemporal Dementia with Parkinsonism-17 (FTDP-17); Dementia, frontotemporal, with or without parkinsonism. Identifiers: Orphanet 282, MedGen C0338451, MONDO:0017276, OMIM 600274, HP:0002145.

Submissions (2):

Labcorp Genetics (formerly Invitae), Labcorp
Classification: Pathogenic for Koolen-de Vries syndrome. Last evaluated: 2022-08-16. Review status: criteria provided, single submitter. Criteria: Invitae Variant Classification Sherloc (09022015). Collection method: clinical testing. Allele origin: germline.
Comment: This variant is a gross deletion of the genomic region encompassing exon(s) 4-15 of the KANSL1 gene, which includes the termination codon. This deletion extends beyond the assayed region for this gene and therefore may encompass additional genes. While this deletion is not anticipated to lead to nonsense mediated decay, it is expected to alter mRNA translation or result in a truncated protein product. A similar copy number variant has been observed in individuals with clinical features of KANSL1-related conditions (Invitae). This variant disrupts a region of the KANSL1 protein in which other variant(s) (p.Ala590Arg) have been determined to be pathogenic (Invitae). This suggests that this is a clinically significant region of the protein, and that variants that disrupt it are likely to be disease-causing. For these reasons, this variant has been classified as Pathogenic.

Labcorp Genetics (formerly Invitae), Labcorp
Classification: Uncertain significance for Frontotemporal dementia. Last evaluated: 2022-07-18. Review status: criteria provided, single submitter. Criteria: Invitae Variant Classification Sherloc (09022015). Collection method: clinical testing. Allele origin: germline.
Comment: In summary, the available evidence is currently insufficient to determine the role of this variant in disease. Therefore, it has been classified as a Variant of Uncertain Significance. Isolated whole-gene deletions of MAPT have not been reported in the literature. However, larger copy number events that include this gene have been reported (PMID: 18628315, 21094706). A gross deletion of the genomic region encompassing the full coding sequence of the MAPT gene has been identified. The current clinical and genetic evidence is not sufficient to establish whether loss-of-function variants in MAPT cause disease. The boundaries of this event are unknown as they extend beyond the assayed region for this gene and therefore may encompass additional genes.

Literature cited by the submitters: PubMed 18628315; PubMed 21094706.

NC_000017.10:g.(?_43861911)_(44159928_?)del

Genes: CRHR1 (corticotropin releasing hormone receptor 1), KANSL1 (KAT8 regulatory NSL complex subunit 1), MAPT (microtubule associated protein tau), SPPL2C (signal peptide peptidase like 2C), STH (saitohin). Cytogenetic location: 17q21.31.
Variant type: Deletion.
Identifiers: ClinVar variation 1411431 (VCV001411431.6).